The following is an entry in ClinVar:

NM_006005.3(WFS1):c.1538A>G (p.Tyr513Cys)

Gene: WFS1 (wolframin ER transmembrane glycoprotein; plus strand). Cytogenetic location: 4p16.1.
Variant type: single nucleotide variant.
Coding change: c.1538A>G on transcript NM_006005.3 (MANE Select); coding-DNA position 1538, A replaced by G.
Protein change: p.Tyr513Cys; replaces tyrosine 513 with cysteine.
Molecular consequence: missense variant.
Genome position (GRCh38, 1-based): chr4:6,301,333, A>G. VCF-style: chr4-6301333-A-G. GRCh37 (hg19) VCF-style: chr4-6303060-A-G.
Other names: c.1538A>G, p.Tyr513Cys (NM_001145853.1); short protein forms Y513C.
Identifiers: ClinVar variation 1370544 (VCV001370544.8), dbSNP rs544933961, ClinGen allele CA2839395.

ClinVar aggregate classification (germline): Uncertain significance (1 of 4 stars; one submission).

gnomAD v4.1: 26 of 1,611,704 alleles (0.0016%); highest among the groups gnomAD compares: South Asian, 0.014%; no homozygotes.

Submission:

Labcorp Genetics (formerly Invitae), Labcorp
Classification: Uncertain significance. Last evaluated: 2025-09-28. Review status: criteria provided, single submitter. Criteria: Invitae Variant Classification Sherloc (09022015). Collection method: clinical testing. Allele origin: germline.
Comment: This sequence change replaces tyrosine, which is neutral and polar, with cysteine, which is neutral and slightly polar, at codon 513 of the WFS1 protein (p.Tyr513Cys). This variant is present in population databases (rs544933961, gnomAD 0.01%). This missense change has been observed in individual(s) with clinical features of WFS1-related conditions (PMID: 37277527). ClinVar contains an entry for this variant (Variation ID: 1370544). Invitae Evidence Modeling of protein sequence and biophysical properties (such as structural, functional, and spatial information, amino acid conservation, physicochemical variation, residue mobility, and thermodynamic stability) indicates that this missense variant is not expected to disrupt WFS1 protein function with a negative predictive value of 95%. In summary, the available evidence is currently insufficient to determine the role of this variant in disease. Therefore, it has been classified as a Variant of Uncertain Significance.

Literature cited by the submitters: PubMed 37277527.